The following is an entry in ClinVar:

NM_001232.4(CASQ2):c.897C>T (p.Pro299=)

Gene: CASQ2 (calsequestrin 2; minus strand). Cytogenetic location: 1p13.1.
Variant type: single nucleotide variant.
Coding change: c.897C>T on transcript NM_001232.4 (MANE Select); coding-DNA position 897, C replaced by T.
Protein change: p.Pro299=; no amino-acid change (proline 299 retained).
Molecular consequence: synonymous variant.
Genome position (GRCh38, 1-based): chr1:115,705,234, G>A on the plus strand (C>T on the coding strand, the complement: CASQ2 is on the minus strand). VCF-style: chr1-115705234-G-A. GRCh37 (hg19) VCF-style: chr1-116247855-G-A.
Identifiers: ClinVar variation 1155875 (VCV001155875.13), dbSNP rs752053912, ClinGen allele CA1023701.

ClinVar aggregate classification (germline): Likely benign. Review status: criteria provided, multiple submitters, no conflicts (2 of 4 stars). 4 submissions from 4 submitters: Likely benign (4). Last evaluated 2026-05-01.

Conditions:
Cardiovascular phenotype. Identifiers: MedGen CN230736.
Catecholaminergic polymorphic ventricular tachycardia 2. Also called: VENTRICULAR TACHYCARDIA, STRESS-INDUCED POLYMORPHIC 2; CASQ2-Related Catecholaminergic Polymorphic Ventricular Tachycardia. Identifiers: Orphanet 3286, MedGen C2677794, MONDO:0012762, OMIM 611938.
Catecholaminergic polymorphic ventricular tachycardia 1. Also called: VENTRICULAR TACHYCARDIA, STRESS-INDUCED POLYMORPHIC 1; RYR2-Related Catecholaminergic Polymorphic Ventricular Tachycardia; VENTRICULAR TACHYCARDIA, CATECHOLAMINERGIC POLYMORPHIC, 1, WITH OR WITHOUT ATRIAL DYSFUNCTION AND/OR DILATED CARDIOMYOPATHY. Identifiers: Orphanet 3286, MedGen C1631597, MONDO:0011484, OMIM 604772.
CASQ2-related disorder. Also called: CASQ2-related condition.

Allele frequency attached by ClinVar (database versions not stated): gnomAD exomes 0.00002; ExAC 0.00004; gnomAD 0.00004 and 0.00005; TOPMed 0.00005.
gnomAD v4.1: 23 of 1,613,918 alleles (0.0014%); highest among the groups gnomAD compares: East Asian, 0.016%; no homozygotes.

Submissions (4):

PreventionGenetics, part of Exact Sciences
Classification: Likely benign for CASQ2-related condition. Last evaluated: 2026-05-01. Review status: criteria provided, single submitter. Criteria: ACMG Guidelines, 2015. Collection method: clinical testing. Allele origin: germline.
Comment: This variant is classified as likely benign based on ACMG/AMP sequence variant interpretation guidelines (Richards et al. 2015 PMID: 25741868, with internal and published modifications).

Labcorp Genetics (formerly Invitae), Labcorp
Classification: Likely benign for Catecholaminergic polymorphic ventricular tachycardia 1. Last evaluated: 2026-01-18. Review status: criteria provided, single submitter. Criteria: Invitae Variant Classification Sherloc (09022015). Collection method: clinical testing. Allele origin: germline.

Genome-Nilou Lab
Classification: Likely benign for Catecholaminergic polymorphic ventricular tachycardia 2. Last evaluated: 2023-04-11. Review status: criteria provided, single submitter. Criteria: ACMG Guidelines, 2015. Collection method: clinical testing. Allele origin: germline. Affected: no.

Ambry Genetics
Classification: Likely benign for Cardiovascular phenotype. Last evaluated: 2019-10-11. Review status: criteria provided, single submitter. Criteria: Ambry Variant Classification Scheme 2023. Collection method: clinical testing. Allele origin: germline.